The following is an entry in ClinVar:

ClinVar aggregate classification (germline): Uncertain significance (1 of 4 stars; one submission).

Allele frequency attached by ClinVar (database versions not stated): gnomAD exomes below 0.00001.
gnomAD v4.1: 2 of 1,612,984 alleles (0.00012%); highest among the groups gnomAD compares: African/African-American, 0.0027%; no homozygotes.

Submission:

Laboratory for Molecular Medicine, Mass General Brigham Personalized Medicine
Classification: Uncertain significance. Last evaluated: 2011-12-13. Review status: criteria provided, single submitter. Criteria: LMM Criteria. Collection method: clinical testing. Allele origin: germline. Observed: 1 variant allele.
Comment: The Pro14315Ser variant (TTN) has not been previously reported nor previously id entified by our laboratory. Proline (Pro) at position 14315 is highly conserved across evolutionarily distant species, increasing the likelihood that a change m ay not be tolerated. Computational tools (AlignGVGD and SIFT) predict the change to serine (Ser) would impact the protein, though the accuracy of these tools is unknown. Additional information is needed to fully assess the clinical signific ance of the Pro14315Ser variant.

NM_001267550.2(TTN):c.50647C>T (p.Pro16883Ser)

Genes: TTN (titin; minus strand), TTN-AS1 (TTN antisense RNA 1; plus strand). Cytogenetic location: 2q31.2.
Variant type: single nucleotide variant.
Coding change: c.50647C>T on transcript NM_001267550.2 (MANE Select); coding-DNA position 50647, C replaced by T.
Protein change: p.Pro16883Ser; replaces proline 16883 with serine.
Molecular consequence: missense variant.
Genome position (GRCh38, 1-based): chr2:178,611,582, G>A on the plus strand (C>T on the coding strand, the complement: TTN is on the minus strand). VCF-style: chr2-178611582-G-A. GRCh37 (hg19) VCF-style: chr2-179476309-G-A.
Other names: c.42943C>T, p.Pro14315Ser (NM_133378.4); c.45724C>T, p.Pro15242Ser (NM_001256850.1); c.23452C>T, p.Pro7818Ser (NM_003319.4); c.23827C>T, p.Pro7943Ser (NM_133432.3); c.24028C>T, p.Pro8010Ser (NM_133437.4); short protein forms P16883S, P14315S, P15242S, P7943S, P8010S, P7818S.
Identifiers: ClinVar variation 47048 (VCV000047048.5), dbSNP rs397517602, ClinGen allele CA139849.